The following is an entry in ClinVar:

NM_005654.6(NR2F1):c.172C>A (p.Pro58Thr)

Genes: NR2F1 (nuclear receptor subfamily 2 group F member 1; plus strand), NR2F1-AS1 (NR2F1 antisense RNA 1; minus strand). Cytogenetic location: 5q15.
Variant type: single nucleotide variant.
Coding change: c.172C>A on transcript NM_005654.6 (MANE Select); coding-DNA position 172, C replaced by A.
Protein change: p.Pro58Thr; replaces proline 58 with threonine.
Molecular consequence: missense variant.
Genome position (GRCh38, 1-based): chr5:93,585,195, C>A. VCF-style: chr5-93585195-C-A. GRCh37 (hg19) VCF-style: chr5-92920901-C-A.
Other names: short protein forms P58T.
Identifiers: ClinVar variation 546350 (VCV000546350.2), dbSNP rs936346582, ClinGen allele CA123266248.

ClinVar aggregate classification (germline): Uncertain significance (1 of 4 stars; one submission).

Allele frequency attached by ClinVar (database versions not stated): TOPMed below 0.00001.

Submission:

GeneDx
Classification: Uncertain significance. Last evaluated: 2018-05-15. Review status: criteria provided, single submitter. Criteria: GeneDx Variant Classification (06012015). Collection method: clinical testing. Allele origin: germline. Affected: yes.
Comment: A variant of uncertain significance has been identified in the NR2F1 gene. The P58T variant has not been published as a pathogenic variant, nor has it been reported as a benign variant to our knowledge. This variant is not observed in large population cohorts (Lek et al., 2016). The P58T variant is a non-conservative amino acid substitution, which is likely to impact secondary protein structure as these residues differ in polarity, charge, size and/or other properties. However, in-silico analyses, including protein predictors and evolutionary conservation, support that this variant does not alter protein structure/function. Therefore, based on the currently available information, it is unclear whether this variant is a pathogenic variant or a rare benign variant.